The following is an entry in ClinVar:

ClinVar aggregate classification (germline): Uncertain significance. Review status: criteria provided, multiple submitters, no conflicts (2 of 4 stars). 4 submissions from 4 submitters: Uncertain significance (3). 1 of the submissions does not count toward it. Last evaluated 2024-08-22.

Conditions:
Mucopolysaccharidosis, MPS-III-A (MPS3A). Also called: HEPARAN SULFATE SULFATASE DEFICIENCY; SANFILIPPO SYNDROME A; SULFAMIDASE DEFICIENCY; MPS III A; MPS IIIA (Sanfilippo Syndrome Type A); Mucopolysaccharidosis type IIIA (Sanfilippo A). Identifiers: Orphanet 581, Orphanet 79269, MedGen C0086647, MONDO:0009655, OMIM 252900.
Inborn genetic diseases. Identifiers: MedGen C0950123, MeSH D030342.

Allele frequency attached by ClinVar (database versions not stated): ExAC 0.00001; gnomAD exomes below 0.00001; TOPMed 0.00002; gnomAD 0.00001.
gnomAD v4.1: 30 of 1,613,948 alleles (0.0019%); highest among the groups gnomAD compares: Non-Finnish European, 0.0025%; no homozygotes.

Submissions (4):

GeneDx
Classification: Uncertain significance. Last evaluated: 2024-08-22. Review status: criteria provided, single submitter. Criteria: GeneDx Variant Classification Process June 2021. Collection method: clinical testing. Allele origin: germline. Affected: yes.
Comment: Not observed at significant frequency in large population cohorts (gnomAD); In silico analysis supports that this missense variant has a deleterious effect on protein structure/function; Has not been previously published as pathogenic or benign to our knowledge

Ambry Genetics
Classification: Uncertain significance for Inborn genetic diseases. Last evaluated: 2024-03-31. Review status: criteria provided, single submitter. Criteria: Ambry Variant Classification Scheme 2023. Collection method: clinical testing. Allele origin: germline.

Labcorp Genetics (formerly Invitae), Labcorp
Classification: Uncertain significance for Mucopolysaccharidosis, MPS-III-A. Last evaluated: 2022-07-26. Review status: criteria provided, single submitter. Criteria: Invitae Variant Classification Sherloc (09022015). Collection method: clinical testing. Allele origin: germline.
Comment: This sequence change replaces proline, which is neutral and non-polar, with leucine, which is neutral and non-polar, at codon 397 of the SGSH protein (p.Pro397Leu). This variant is present in population databases (rs772080776, gnomAD 0.002%). This variant has not been reported in the literature in individuals affected with SGSH-related conditions. ClinVar contains an entry for this variant (Variation ID: 1523174). Algorithms developed to predict the effect of missense changes on protein structure and function (SIFT, PolyPhen-2, Align-GVGD) all suggest that this variant is likely to be disruptive. In summary, the available evidence is currently insufficient to determine the role of this variant in disease. Therefore, it has been classified as a Variant of Uncertain Significance.

Molecular Genetics Laboratory, BC Children's and BC Women's Hospitals
Classification: Uncertain significance for Mucopolysaccharidosis, MPS-III-A. Last evaluated: 2026-03-27. Review status: no assertion criteria provided. Criteria: ACMG Guidelines, 2015. Collection method: clinical testing. Allele origin: paternal. Affected: yes. Not counted in ClinVar's aggregate classification.

NM_000199.5(SGSH):c.1190C>T (p.Pro397Leu)

Gene: SGSH (N-sulfoglucosamine sulfohydrolase; minus strand). Cytogenetic location: 17q25.3.
Variant type: single nucleotide variant.
Coding change: c.1190C>T on transcript NM_000199.5 (MANE Select); coding-DNA position 1190, C replaced by T.
Protein change: p.Pro397Leu; replaces proline 397 with leucine.
Molecular consequence: missense variant. On other transcripts: 3 prime UTR variant (2), non-coding transcript variant (1).
Genome position (GRCh38, 1-based): chr17:80,210,771, G>A on the plus strand (C>T on the coding strand, the complement: SGSH is on the minus strand). VCF-style: chr17-80210771-G-A. GRCh37 (hg19) VCF-style: chr17-78184570-G-A.
Other names: c.1190C>T (NM_000199.3); c.*277C>T (NM_001352921.3); c.*240C>T (NM_001352922.2); short protein forms P397L.
Identifiers: ClinVar variation 1523174 (VCV001523174.6), dbSNP rs772080776, ClinGen allele CA8817651.